The following is an entry in ClinVar:

ClinVar aggregate classification (germline): Likely benign (0 of 4 stars; one submission).

Conditions:
CHST6-related disorder. Also called: CHST6-related condition.

Allele frequency attached by ClinVar (database versions not stated): ExAC 0.00003.
gnomAD v4.1: 38 of 1,582,210 alleles (0.0024%); highest among the groups gnomAD compares: Admixed American, 0.031%; no homozygotes.

Submission:

PreventionGenetics, part of Exact Sciences
Classification: Likely benign for CHST6-related condition. Last evaluated: 2019-09-17. Review status: no assertion criteria provided. Collection method: clinical testing. Allele origin: germline.
Comment: This variant is classified as likely benign based on ACMG/AMP sequence variant interpretation guidelines (Richards et al. 2015 PMID: 25741868, with internal and published modifications).

NM_021615.5(CHST6):c.39G>A (p.Ala13=)

Gene: CHST6 (carbohydrate sulfotransferase 6; minus strand). Cytogenetic location: 16q23.1.
Variant type: single nucleotide variant.
Coding change: c.39G>A on transcript NM_021615.5 (MANE Select); coding-DNA position 39, G replaced by A.
Protein change: p.Ala13=; no amino-acid change (alanine 13 retained).
Molecular consequence: synonymous variant.
Genome position (GRCh38, 1-based): chr16:75,479,790, C>T on the plus strand (G>A on the coding strand, the complement: CHST6 is on the minus strand). VCF-style: chr16-75479790-C-T. GRCh37 (hg19) VCF-style: chr16-75513688-C-T.
Identifiers: ClinVar variation 3040696 (VCV003040696.2), dbSNP rs760232320, ClinGen allele CA8175600.